The following is an entry in ClinVar:

ClinVar aggregate classification (germline): Uncertain significance (1 of 4 stars; one submission).

Conditions:
Cardiovascular phenotype. Identifiers: MedGen CN230736.

Submission:

Ambry Genetics
Classification: Uncertain significance for Cardiovascular phenotype. Last evaluated: 2023-01-15. Review status: criteria provided, single submitter. Criteria: Ambry Variant Classification Scheme 2023. Collection method: clinical testing. Allele origin: germline.
Comment: The p.G39R variant (also known as c.115G>C), located in coding exon 1 of the LMF1 gene, results from a G to C substitution at nucleotide position 115. The glycine at codon 39 is replaced by arginine, an amino acid with dissimilar properties. This amino acid position is conserved. In addition, this alteration is predicted to be tolerated by in silico analysis. Since supporting evidence is limited at this time, the clinical significance of this alteration remains unclear.

NM_022773.4(LMF1):c.115G>C (p.Gly39Arg)

Genes: LMF1 (lipase maturation factor 1; minus strand), LOC130058141 (ATAC-STARR-seq lymphoblastoid silent region 6962; plus strand). Cytogenetic location: 16p13.3.
Variant type: single nucleotide variant.
Coding change: c.115G>C on transcript NM_022773.4 (MANE Select); coding-DNA position 115, G replaced by C.
Protein change: p.Gly39Arg; replaces glycine 39 with arginine.
Molecular consequence: missense variant. On other transcripts: 5 prime UTR variant (1), non-coding transcript variant (1), intron variant (3).
Genome position (GRCh38, 1-based): chr16:970,866, C>G on the plus strand (G>C on the coding strand, the complement: LMF1 is on the minus strand). VCF-style: chr16-970866-C-G. GRCh37 (hg19) VCF-style: chr16-1020866-C-G.
Other names: c.115G>C, p.Gly39Arg (NM_001352020.1); c.-591G>C (NM_001352021.2); c.-135+10279G>C (NM_001352019.2); c.-611+10279G>C (NM_001352017.2); c.-362+10279G>C (NM_001352018.2); short protein forms G39R.
Identifiers: ClinVar variation 2451807 (VCV002451807.2), dbSNP rs748329854, ClinGen allele CA394111245.